The following is an entry in ClinVar:

NM_005259.3(MSTN):c.*1514C>G

Genes: C2orf88 (chromosome 2 open reading frame 88; plus strand), MSTN (myostatin; minus strand). Cytogenetic location: 2q32.2.
Variant type: single nucleotide variant.
Coding change: c.*1514C>G on transcript NM_005259.3 (MANE Select); 1514 bases downstream of the stop codon, C replaced by G.
Molecular consequence: 3 prime UTR variant.
Genome position (GRCh38, 1-based): chr2:190,055,744, G>C on the plus strand (C>G on the coding strand, the complement: MSTN is on the minus strand). VCF-style: chr2-190055744-G-C. GRCh37 (hg19) VCF-style: chr2-190920470-G-C.
Other names: c.*1514C>G (LRG_200t1).
Identifiers: ClinVar variation 333215 (VCV000333215.5), dbSNP rs12105165, ClinGen allele CA10613538.

ClinVar aggregate classification (germline): Benign (1 of 4 stars; one submission).

Conditions:
Myostatin-related muscle hypertrophy (MSLHP). Also called: MUSCLE HYPERTROPHY. Identifiers: Orphanet 275534, MedGen C2931112, MONDO:0013598, OMIM 614160.

Allele frequency attached by ClinVar (database versions not stated): gnomAD 0.06981 and 0.07394; 1000 Genomes Project 0.07169; 1000 Genomes Project 30x 0.07667; TOPMed 0.07871.

Submission:

Illumina Laboratory Services, Illumina
Classification: Benign for Myostatin-related muscle hypertrophy. Last evaluated: 2018-01-13. Review status: criteria provided, single submitter. Criteria: ICSL Variant Classification Criteria 13 December 2019. Collection method: clinical testing. Allele origin: germline.
Comment: This variant was observed in the ICSL laboratory as part of a predisposition screen in an ostensibly healthy population. It had not been previously curated by ICSL or reported in the Human Gene Mutation Database (HGMD: prior to June 1st, 2018), and was therefore a candidate for classification through an automated scoring system. Utilizing variant allele frequency, disease prevalence and penetrance estimates, and inheritance mode, an automated score was calculated to assess if this variant is too frequent to cause the disease. Based on the score and internal cut-off values, a variant classified as benign is not then subjected to further curation. The score for this variant resulted in a classification of benign for this disease.